The following is an entry in ClinVar:

NM_001371395.1(USP53):c.307G>A (p.Ala103Thr)

Gene: USP53 (ubiquitin specific peptidase 53; plus strand). Cytogenetic location: 4q26.
Variant type: single nucleotide variant.
Coding change: c.307G>A on transcript NM_001371395.1 (MANE Select); coding-DNA position 307, G replaced by A.
Protein change: p.Ala103Thr; replaces alanine 103 with threonine.
Molecular consequence: missense variant. On other transcripts: 5 prime UTR variant (6).
Genome position (GRCh38, 1-based): chr4:119,248,817, G>A. VCF-style: chr4-119248817-G-A. GRCh37 (hg19) VCF-style: chr4-120169972-G-A.
Other names: c.307G>A, p.Ala103Thr (NM_001371398.1, NM_001371399.1, NM_001389660.1 and 6 more transcripts); c.-42G>A (NM_001389662.1, NM_001389663.1, NM_001389664.1 and 3 more transcripts); short protein forms A103T.
Identifiers: ClinVar variation 3666266 (VCV003666266.2).

ClinVar aggregate classification (germline): Uncertain significance (1 of 4 stars; one submission).

gnomAD v4.1: 1 of 1,614,108 alleles (0.000062%); highest among the groups gnomAD compares: Non-Finnish European, 0.000085%; no homozygotes.

Submission:

Labcorp Genetics (formerly Invitae), Labcorp
Classification: Uncertain significance. Last evaluated: 2024-10-19. Review status: criteria provided, single submitter. Criteria: Invitae Variant Classification Sherloc (09022015). Collection method: clinical testing. Allele origin: germline.
Comment: This sequence change replaces alanine, which is neutral and non-polar, with threonine, which is neutral and polar, at codon 103 of the USP53 protein (p.Ala103Thr). This variant is not present in population databases (gnomAD no frequency). This variant has not been reported in the literature in individuals affected with USP53-related conditions. Invitae Evidence Modeling of protein sequence and biophysical properties (such as structural, functional, and spatial information, amino acid conservation, physicochemical variation, residue mobility, and thermodynamic stability) indicates that this missense variant is expected to disrupt USP53 protein function with a positive predictive value of 80%. In summary, the available evidence is currently insufficient to determine the role of this variant in disease. Therefore, it has been classified as a Variant of Uncertain Significance.